The following is an entry in ClinVar:

ClinVar aggregate classification (germline): Benign/Likely benign. Review status: criteria provided, multiple submitters, no conflicts (2 of 4 stars). 3 submissions from 3 submitters: Benign (1); Likely benign (2). Last evaluated 2025-08-20.

Conditions:
Hereditary cancer-predisposing syndrome. Also called: Neoplastic Syndromes, Hereditary; Hereditary Cancer Syndrome; Tumor predisposition; Hereditary neoplastic syndrome. Identifiers: Orphanet 140162, MedGen C0027672, MeSH D009386, MONDO:0015356.
Hereditary nonpolyposis colorectal neoplasms. Identifiers: MedGen C0009405, MeSH D003123.
Lynch syndrome 4 (LYNCH4). Also called: Colorectal cancer, hereditary nonpolyposis, type 4; Hereditary non-polyposis colorectal cancer, type 4. Identifiers: Orphanet 144, MedGen C1838333, MONDO:0013699, OMIM 614337. Disease mechanism: loss of function.

Allele frequency attached by ClinVar (database versions not stated): gnomAD 0.00001; gnomAD exomes 0.00001; ExAC 0.00002.
gnomAD v4.1: 13 of 1,613,954 alleles (0.00081%); highest among the groups gnomAD compares: South Asian, 0.013%; no homozygotes.

Submissions (3):

Labcorp Genetics (formerly Invitae), Labcorp
Classification: Likely benign for Hereditary nonpolyposis colorectal neoplasms. Last evaluated: 2025-08-20. Review status: criteria provided, single submitter. Criteria: Invitae Variant Classification Sherloc (09022015). Collection method: clinical testing. Allele origin: germline.

Myriad Genetics, Inc.
Classification: Benign for Lynch syndrome 4. Last evaluated: 2025-01-31. Review status: criteria provided, single submitter. Criteria: Myriad Autosomal Dominant, Autosomal Recessive and X-Linked Classification Criteria (2023). Collection method: clinical testing. Allele origin: unknown.
Comment: This variant is considered benign. This variant is a silent/synonymous amino acid change and it is not expected to impact splicing.

Ambry Genetics
Classification: Likely benign for Hereditary cancer-predisposing syndrome. Last evaluated: 2023-08-26. Review status: criteria provided, single submitter. Criteria: Ambry Variant Classification Scheme 2023. Collection method: clinical testing. Allele origin: germline.

NM_000535.7(PMS2):c.1641A>G (p.Ser547=)

Gene: PMS2 (PMS1 homolog 2, mismatch repair system component; minus strand). Cytogenetic location: 7p22.1.
Variant type: single nucleotide variant.
Coding change: c.1641A>G on transcript NM_000535.7 (MANE Select); coding-DNA position 1641, A replaced by G.
Protein change: p.Ser547=; no amino-acid change (serine 547 retained).
Molecular consequence: synonymous variant. On other transcripts: non-coding transcript variant (1), intron variant (1).
Genome position (GRCh38, 1-based): chr7:5,987,124, T>C on the plus strand (A>G on the coding strand, the complement: PMS2 is on the minus strand). VCF-style: chr7-5987124-T-C. GRCh37 (hg19) VCF-style: chr7-6026755-T-C.
Other names: c.1236A>G, p.Ser412= (NM_001018040.1, NM_001322003.2, NM_001322004.2 and 17 more transcripts); c.1485A>G, p.Ser495= (NM_001322006.2, NM_001406870.1); c.1323A>G, p.Ser441= (NM_001322007.2, NM_001322008.2, NM_001406876.1 and 2 more transcripts); c.1080A>G, p.Ser360= (NM_001322010.2, NM_001406906.1, NM_001406907.1); c.708A>G, p.Ser236= (NM_001322011.2, NM_001322012.2); c.1068A>G, p.Ser356= (NM_001322013.2, NM_001406909.1); c.1641A>G, p.Ser547= (NM_001322014.2, NM_001406871.1, NM_001406872.1); c.1332A>G, p.Ser444= (NM_001322015.2, NM_001406875.1, NM_001406877.1 and 5 more transcripts); and 13 more.
Identifiers: ClinVar variation 1911736 (VCV001911736.8), dbSNP rs773541976, ClinGen allele CA044870.